The following is an entry in ClinVar:

ClinVar aggregate classification (germline): Uncertain significance (1 of 4 stars; one submission).

Submission:

Labcorp Genetics (formerly Invitae), Labcorp
Classification: Uncertain significance. Last evaluated: 2024-12-25. Review status: criteria provided, single submitter. Criteria: Invitae Variant Classification Sherloc (09022015). Collection method: clinical testing. Allele origin: germline.
Comment: This sequence change replaces threonine, which is neutral and polar, with isoleucine, which is neutral and non-polar, at codon 123 of the TBX20 protein (p.Thr123Ile). This variant is not present in population databases (gnomAD no frequency). This variant has not been reported in the literature in individuals affected with TBX20-related conditions. ClinVar contains an entry for this variant (Variation ID: 2732658). Invitae Evidence Modeling of protein sequence and biophysical properties (such as structural, functional, and spatial information, amino acid conservation, physicochemical variation, residue mobility, and thermodynamic stability) indicates that this missense variant is expected to disrupt TBX20 protein function with a positive predictive value of 80%. In summary, the available evidence is currently insufficient to determine the role of this variant in disease. Therefore, it has been classified as a Variant of Uncertain Significance.

NM_001077653.2(TBX20):c.368C>T (p.Thr123Ile)

Gene: TBX20 (T-box transcription factor 20; minus strand). Cytogenetic location: 7p14.2.
Variant type: single nucleotide variant.
Coding change: c.368C>T on transcript NM_001077653.2 (MANE Select); coding-DNA position 368, C replaced by T.
Protein change: p.Thr123Ile; replaces threonine 123 with isoleucine.
Molecular consequence: missense variant.
Genome position (GRCh38, 1-based): chr7:35,249,963, G>A on the plus strand (C>T on the coding strand, the complement: TBX20 is on the minus strand). VCF-style: chr7-35249963-G-A. GRCh37 (hg19) VCF-style: chr7-35289575-G-A.
Other names: c.368C>T, p.Thr123Ile (NM_001166220.1); short protein forms T123I.
Identifiers: ClinVar variation 2732658 (VCV002732658.3), dbSNP rs2546997266, ClinGen allele CA367264902.
Genomic context (GRCh38, chr7:35,249,963, plus strand): 5'-GTGTCCTGACTCTCCACCCCCAACCCCCAACCCCCAAGTCCCAACTACCTGCCCGACTTG[G>A]TGATGATCATCTCGGTGCCCAGCTCATGGAATTTGTCCCAAAGCTCCTTGGTCTCCAGGC-3'
Protein context (NP_001071121.1, residues 113-133): FHELGTEMII[Thr123Ile]KSGRRMFPTI